The following is an entry in ClinVar:

ClinVar aggregate classification (germline): Likely benign. Review status: criteria provided, multiple submitters, no conflicts (2 of 4 stars). 3 submissions from 3 submitters: Likely benign (2). 1 of the submissions does not count toward it. Last evaluated 2018-08-19.

Conditions:
COL6A3-related disorder. Also called: COL6A3-related disorders; COL6A3-related condition.

Allele frequency attached by ClinVar (database versions not stated): 1000 Genomes Project 0.00319; ESP Exome Variant Server 0.00346; 1000 Genomes Project 30x 0.00375.
gnomAD v4.1: 1,251 of 1,614,088 alleles (0.078%); highest among the groups gnomAD compares: African/African-American, 1.2%; 15 homozygotes.

Submissions (3):

GeneDx
Classification: Likely benign. Last evaluated: 2018-08-19. Review status: criteria provided, single submitter. Criteria: GeneDx Variant Classification Process June 2021. Collection method: clinical testing. Allele origin: germline. Affected: yes.

Breakthrough Genomics
Classification: Likely benign. Review status: criteria provided, single submitter. Criteria: ACMG Guidelines, 2015. Collection method: not provided. Allele origin: germline. Inheritance: Autosomal recessive inheritance. Affected: yes.

PreventionGenetics, part of Exact Sciences
Classification: Benign for COL6A3-related condition. Last evaluated: 2020-03-03. Review status: no assertion criteria provided. Collection method: clinical testing. Allele origin: germline. Not counted in ClinVar's aggregate classification.
Comment: This variant is classified as benign based on ACMG/AMP sequence variant interpretation guidelines (Richards et al. 2015 PMID: 25741868, with internal and published modifications).

NM_004369.4(COL6A3):c.7163-44G>A

Gene: COL6A3 (collagen type VI alpha 3 chain; minus strand). Cytogenetic location: 2q37.3.
Variant type: single nucleotide variant.
Coding change: c.7163-44G>A on transcript NM_004369.4 (MANE Select); 44 bases into the intron before coding-DNA position 7163, G replaced by A.
Molecular consequence: intron variant.
Genome position (GRCh38, 1-based): chr2:237,344,996, C>T on the plus strand (G>A on the coding strand, the complement: COL6A3 is on the minus strand). VCF-style: chr2-237344996-C-T. GRCh37 (hg19) VCF-style: chr2-238253639-C-T.
Other names: c.5342-44G>A (NM_057166.5); c.6545-44G>A (NM_057167.4); c.7163-44G>A (NM_004369.3).
Identifiers: ClinVar variation 1214192 (VCV001214192.6), dbSNP rs113448987, ClinGen allele CA2187885.